The following is an entry in ClinVar:

ClinVar aggregate classification (germline): Benign. Review status: criteria provided, multiple submitters, no conflicts (2 of 4 stars). 4 submissions from 4 submitters: Benign (3). 1 of the submissions does not count toward it. Last evaluated 2026-01-14.

Conditions:
GRHL3-related disorder. Also called: GRHL3-related condition.
Van der Woude syndrome 2 (VWS2). Identifiers: Orphanet 888, MedGen C1847604, MONDO:0011712, OMIM 606713.

Allele frequency attached by ClinVar (database versions not stated): 1000 Genomes Project 30x 0.01312; TOPMed 0.02942; gnomAD 0.03029 and 0.03111; 1000 Genomes Project 0.01318.
gnomAD v4.1: 60,298 of 1,489,000 alleles (4%); highest among the groups gnomAD compares: Non-Finnish European, 4.7%; 1,419 homozygotes.

Submissions (4):

Labcorp Genetics (formerly Invitae), Labcorp
Classification: Benign for Van der Woude syndrome 2. Last evaluated: 2026-01-14. Review status: criteria provided, single submitter. Criteria: Invitae Variant Classification Sherloc (09022015). Collection method: clinical testing. Allele origin: germline.

Genomic Diagnostic Laboratory, Division of Genomic Diagnostics, Children's Hospital of Philadelphia
Classification: Benign. Last evaluated: 2014-12-31. Review status: criteria provided, single submitter. Criteria: DGD Variant Analysis Guidelines. Collection method: clinical testing. Allele origin: unknown.

Breakthrough Genomics
Classification: Benign. Review status: criteria provided, single submitter. Criteria: ACMG Guidelines, 2015. Collection method: not provided. Allele origin: germline. Inheritance: Unknown mechanism. Affected: yes.

PreventionGenetics, part of Exact Sciences
Classification: Benign for GRHL3-related condition. Last evaluated: 2019-06-11. Review status: no assertion criteria provided. Collection method: clinical testing. Allele origin: germline. Not counted in ClinVar's aggregate classification.
Comment: This variant is classified as benign based on ACMG/AMP sequence variant interpretation guidelines (Richards et al. 2015 PMID: 25741868, with internal and published modifications).

NM_198174.3(GRHL3):c.1696G>A (p.Glu566Lys)

Genes: GRHL3 (grainyhead like transcription factor 3; plus strand), STPG1 (sperm tail PG-rich repeat containing 1; minus strand). Cytogenetic location: 1p36.11.
Variant type: single nucleotide variant.
Coding change: c.1696G>A on transcript NM_198174.3; coding-DNA position 1696, G replaced by A.
Protein change: p.Glu566Lys; replaces glutamic acid 566 with lysine.
Molecular consequence: missense variant. On other transcripts: intron variant (4).
Genome position (GRCh38, 1-based): chr1:24,364,186, G>A. VCF-style: chr1-24364186-G-A. GRCh37 (hg19) VCF-style: chr1-24690676-G-A.
Other names: c.738-3145C>T (NM_001199012.2, NM_001199013.2); c.597-3145C>T (NM_178122.5); c.462-3145C>T (NM_001199014.2); short protein forms E566K.
Identifiers: ClinVar variation 218865 (VCV000218865.13), dbSNP rs6694170, ClinGen allele CA248854.
Genomic context (GRCh38, chr1:24,364,186, plus strand): 5'-AAACACCAACTTTCCCTGCAAACTCGAATTCAATTCTTGACGTTCTCACTTTCTTCCAGG[G>A]AAACTTCTCTCCTCCACCCACGCCTGTCTCGCCACCCCCCACCTGACTGTCTTGAATGTT-3'